The following is an entry in ClinVar:

NM_004329.3(BMPR1A):c.1473_1473+4del

Gene: BMPR1A (bone morphogenetic protein receptor type 1A; plus strand). Cytogenetic location: 10q23.2.
Variant type: Deletion.
Coding change: c.1473_1473+4del on transcript NM_004329.3 (MANE Select); coding-DNA position 1473 through 4 bases into the intron after coding-DNA position 1473, 5 bases deleted (AGTGA; older notation c.1473_1473+4delAGTGA).
Molecular consequence: splice donor variant.
Genome position (GRCh38, 1-based): chr10:86,923,506-86,923,510, AGTGA deleted; deleting any 5 consecutive bases within chr10:86,923,503-86,923,510 gives the same sequence; the c. name uses the placement nearest the transcript's 3' end. VCF-style (leftmost placement, unchanged base first): chr10-86923502-ATGAAG-A. GRCh37 (hg19) VCF-style: chr10-88683259-ATGAAG-A.
Other names: c.1473_1473+4del (NM_001406562.1, NM_001406568.1, NM_001406567.1 and 19 more transcripts); c.1389_1389+4del (NM_001406584.1, NM_001406588.1, NM_001406587.1 and 2 more transcripts); c.1521_1521+4del (NM_001406560.1); c.1548_1548+4del (NM_001406559.1); c.1467_1467+4del (NM_001406583.1); c.1131_1131+4del (NM_001406589.1).
Identifiers: ClinVar variation 2583318 (VCV002583318.2), dbSNP rs2539650152, ClinGen allele CA2582342698.

ClinVar aggregate classification (germline): Likely pathogenic (1 of 4 stars; one submission).

Conditions:
Juvenile polyposis syndrome (JPS). Identifiers: Orphanet 2929, MedGen C0345893, MONDO:0017380, OMIM 174900.

Submission:

Myriad Genetics, Inc.
Classification: Likely pathogenic for Juvenile polyposis syndrome. Last evaluated: 2023-05-30. Review status: criteria provided, single submitter. Criteria: Myriad Autosomal Dominant, Autosomal Recessive and X-Linked Classification Criteria (2023). Collection method: clinical testing. Allele origin: unknown.
Comment: This variant is considered likely pathogenic. This variant occurs within a consensus splice junction and is predicted to result in abnormal mRNA splicing of either an out-of-frame exon or an in-frame exon necessary for protein stability and/or normal function.